The following is an entry in ClinVar:

ClinVar aggregate classification (germline): Uncertain significance. Review status: criteria provided, multiple submitters, no conflicts (2 of 4 stars). 2 submissions from 2 submitters: Uncertain significance (2). Last evaluated 2024-06-07.

Conditions:
Type 2 diabetes mellitus. Also called: Type II diabetes mellitus. Identifiers: MedGen C0011860, MeSH D003924, MONDO:0005148, OMIM 125853, HP:0005978.
Maturity-onset diabetes of the young type 6 (MODY6). Identifiers: Orphanet 552, MedGen C1853371, MONDO:0011668, OMIM 606394.

gnomAD v4.1: 4 of 1,614,070 alleles (0.00025%); highest among the groups gnomAD compares: African/African-American, 0.004%; no homozygotes.

Submissions (2):

Fulgent Genetics
Classification: Uncertain significance for Type 2 diabetes mellitus; Maturity-onset diabetes of the young type 6. Last evaluated: 2024-06-07. Review status: criteria provided, single submitter. Criteria: ACMG Guidelines, 2015. Collection method: clinical testing. Allele origin: germline.

Labcorp Genetics (formerly Invitae), Labcorp
Classification: Uncertain significance. Last evaluated: 2023-05-11. Review status: criteria provided, single submitter. Criteria: Invitae Variant Classification Sherloc (09022015). Collection method: clinical testing. Allele origin: germline.
Comment: In summary, the available evidence is currently insufficient to determine the role of this variant in disease. Therefore, it has been classified as a Variant of Uncertain Significance. Advanced modeling of protein sequence and biophysical properties (such as structural, functional, and spatial information, amino acid conservation, physicochemical variation, residue mobility, and thermodynamic stability) performed at Invitae indicates that this missense variant is not expected to disrupt NEUROD1 protein function. This variant has not been reported in the literature in individuals affected with NEUROD1-related conditions. This variant is not present in population databases (gnomAD no frequency). This sequence change replaces proline, which is neutral and non-polar, with histidine, which is basic and polar, at codon 205 of the NEUROD1 protein (p.Pro205His).

NM_002500.5(NEUROD1):c.614C>A (p.Pro205His)

Gene: NEUROD1 (neuronal differentiation 1; minus strand). Cytogenetic location: 2q31.3.
Variant type: single nucleotide variant.
Coding change: c.614C>A on transcript NM_002500.5 (MANE Select); coding-DNA position 614, C replaced by A.
Protein change: p.Pro205His; replaces proline 205 with histidine.
Molecular consequence: missense variant.
Genome position (GRCh38, 1-based): chr2:181,678,247, G>T on the plus strand (C>A on the coding strand, the complement: NEUROD1 is on the minus strand). VCF-style: chr2-181678247-G-T. GRCh37 (hg19) VCF-style: chr2-182542974-G-T.
Other names: short protein forms P205H.
Identifiers: ClinVar variation 2970000 (VCV002970000.4), dbSNP rs560115414, ClinGen allele CA349783805.